The following is an entry in ClinVar:

NM_080680.3(COL11A2):c.1255C>A (p.Pro419Thr)

Gene: COL11A2 (collagen type XI alpha 2 chain; minus strand). Cytogenetic location: 6p21.32.
Variant type: single nucleotide variant.
Coding change: c.1255C>A on transcript NM_080680.3 (MANE Select); coding-DNA position 1255, C replaced by A.
Protein change: p.Pro419Thr; replaces proline 419 with threonine.
Molecular consequence: missense variant.
Genome position (GRCh38, 1-based): chr6:33,180,697, G>T on the plus strand (C>A on the coding strand, the complement: COL11A2 is on the minus strand). VCF-style: chr6-33180697-G-T. GRCh37 (hg19) VCF-style: chr6-33148474-G-T.
Other names: c.934C>A, p.Pro312Thr (NM_080679.3); c.997C>A, p.Pro333Thr (NM_080681.3); short protein forms P333T, P312T, P419T.
Identifiers: ClinVar variation 2065398 (VCV002065398.4), dbSNP rs1197749084, ClinGen allele CA363606336.

ClinVar aggregate classification (germline): Uncertain significance (1 of 4 stars; one submission).

Submission:

Labcorp Genetics (formerly Invitae), Labcorp
Classification: Uncertain significance. Last evaluated: 2021-12-29. Review status: criteria provided, single submitter. Criteria: Invitae Variant Classification Sherloc (09022015). Collection method: clinical testing. Allele origin: germline.
Comment: This sequence change replaces proline, which is neutral and non-polar, with threonine, which is neutral and polar, at codon 419 of the COL11A2 protein (p.Pro419Thr). This variant is not present in population databases (gnomAD no frequency). This variant has not been reported in the literature in individuals affected with COL11A2-related conditions. Advanced modeling of protein sequence and biophysical properties (such as structural, functional, and spatial information, amino acid conservation, physicochemical variation, residue mobility, and thermodynamic stability) performed at Invitae indicates that this missense variant is not expected to disrupt COL11A2 protein function. In summary, the available evidence is currently insufficient to determine the role of this variant in disease. Therefore, it has been classified as a Variant of Uncertain Significance.